The following is an entry in ClinVar:

NM_006371.5(CRTAP):c.*3891C>T

Gene: CRTAP (cartilage associated protein; plus strand). Cytogenetic location: 3p22.3.
Variant type: single nucleotide variant.
Coding change: c.*3891C>T on transcript NM_006371.5 (MANE Select); 3891 bases downstream of the stop codon, C replaced by T.
Molecular consequence: 3 prime UTR variant.
Genome position (GRCh38, 1-based): chr3:33,146,339, C>T. VCF-style: chr3-33146339-C-T. GRCh37 (hg19) VCF-style: chr3-33187831-C-T.
Identifiers: ClinVar variation 344875 (VCV000344875.6), dbSNP rs4678478, ClinGen allele CA10615698.

ClinVar aggregate classification (germline): Benign. Review status: criteria provided, multiple submitters, no conflicts (2 of 4 stars). 2 submissions from 2 submitters: Benign (2). Last evaluated 2018-01-12.

Conditions:
Osteogenesis imperfecta type 7 (OI7). Also called: OI type 7; OI type VII; OSTEOGENESIS IMPERFECTA, TYPE IIB; Osteogenesis imperfecta type 2B; OI type 2B; Osteogenesis imperfecta, perinatal lethal autosomal recessive. Identifiers: MedGen C1853162, MONDO:0012536, OMIM 610682.

Allele frequency attached by ClinVar (database versions not stated): TOPMed 0.22415; 1000 Genomes Project 30x 0.29653; 1000 Genomes Project 0.30371.
gnomAD v4.1: 35,254 of 152,290 alleles (23%); highest among the groups gnomAD compares: East Asian, 54%; 5,054 homozygotes.

Submissions (2):

Illumina Laboratory Services, Illumina
Classification: Benign for Osteogenesis imperfecta type 7. Last evaluated: 2018-01-12. Review status: criteria provided, single submitter. Criteria: ICSL Variant Classification Criteria 13 December 2019. Collection method: clinical testing. Allele origin: germline.
Comment: This variant was observed in the ICSL laboratory as part of a predisposition screen in an ostensibly healthy population. It had not been previously curated by ICSL or reported in the Human Gene Mutation Database (HGMD: prior to June 1st, 2018), and was therefore a candidate for classification through an automated scoring system. Utilizing variant allele frequency, disease prevalence and penetrance estimates, and inheritance mode, an automated score was calculated to assess if this variant is too frequent to cause the disease. Based on the score and internal cut-off values, a variant classified as benign is not then subjected to further curation. The score for this variant resulted in a classification of benign for this disease.

Breakthrough Genomics
Classification: Benign. Review status: criteria provided, single submitter. Criteria: ACMG Guidelines, 2015. Collection method: not provided. Allele origin: germline. Inheritance: Autosomal recessive inheritance. Affected: yes.